The following is an entry in ClinVar:

NM_000637.5(GSR):c.334-6_334-5del

Gene: GSR (glutathione-disulfide reductase; minus strand). Cytogenetic location: 8p12.
Variant type: Deletion.
Coding change: c.334-6_334-5del on transcript NM_000637.5 (MANE Select); 6 bases into the intron before coding-DNA position 334 through 5 bases into the intron before coding-DNA position 334, 2 bases deleted (TT; older notation c.334-6_334-5delTT).
Molecular consequence: intron variant.
Genome position (GRCh38, 1-based): chr8:30,709,907-30,709,908, AA deleted on the plus strand (TT on the coding strand, the reverse complement: GSR is on the minus strand); deleting any 2 consecutive bases within chr8:30,709,907-30,709,924 gives the same sequence; the c. name uses the placement nearest the transcript's 3' end. VCF-style (leftmost placement, unchanged base first): chr8-30709906-TAA-T. GRCh37 (hg19) VCF-style: chr8-30567423-TAA-T.
Other names: NC_000008.10:g.30567440_30567441del; p.?; c.334-22_334-21del (NM_000637.5); c.334-6_334-5del (NM_001195104.3, NM_001195102.3, NM_001195103.3).
Identifiers: ClinVar variation 810910 (VCV000810910.11), dbSNP rs74518074, ClinGen allele CA4701547.
Genomic context (GRCh38, chr8:30,709,906, plus strand): 5'-GCCATAATCAGCATGATCATGCATGAATTCAGAGTGGACAGCTGTGTTCCACATTACCTG[TAA>T]AAAAAAAAAAAAAAAAGGATCCAAAACAGCAGTAAATCAGTCCTGAGGGAAAAAAGGAAT-3'

ClinVar aggregate classification (germline): Benign/Likely benign. Review status: criteria provided, multiple submitters, no conflicts (2 of 4 stars). 3 submissions from 3 submitters: Benign (1); Likely benign (2). Last evaluated 2025-12-03.

Submissions (6):

Mayo Clinic Laboratories, Mayo Clinic
Classification: Likely benign. Last evaluated: 2025-12-03. Review status: criteria provided, single submitter. Criteria: ACMG Guidelines, 2015. Collection method: clinical testing. Allele origin: germline. Observed: 700 variant alleles.
Comment: BP4, BP7

Blueprint Genetics
Classification: Likely benign. Last evaluated: 2024-11-27. Review status: criteria provided, single submitter. Criteria: ACMG Guidelines, 2015. Collection method: clinical testing. Allele origin: germline.

ARUP Laboratories, Molecular Genetics and Genomics, ARUP Laboratories
Classification: Benign. Last evaluated: 2018-09-26. Review status: criteria provided, single submitter. Criteria: ARUP Molecular Germline Variant Investigation Process. Collection method: clinical testing. Allele origin: germline.

Dr. Peter K. Rogan Lab, Western University
No classification provided (evidence only). Condition: Malignant lymphoma, large B-cell, diffuse. Review status: no classification provided. Collection method: in vitro. Allele origin: not applicable. Functional consequence: retained intron. Not counted in ClinVar's aggregate classification.

Dr. Peter K. Rogan Lab, Western University
No classification provided (evidence only). Condition: Clear cell carcinoma of kidney. Review status: no classification provided. Collection method: in vitro. Allele origin: not applicable. Functional consequence: retained intron. Not counted in ClinVar's aggregate classification.

Dr. Peter K. Rogan Lab, Western University
No classification provided (evidence only). Condition: Gastric cancer. Review status: no classification provided. Collection method: in vitro. Allele origin: not applicable. Functional consequence: retained intron. Not counted in ClinVar's aggregate classification.